The following is an entry in ClinVar:

ClinVar aggregate classification (germline): Uncertain significance. Review status: criteria provided, multiple submitters, no conflicts (2 of 4 stars). 3 submissions from 3 submitters: Uncertain significance (3). Last evaluated 2024-01-09.

Conditions:
Fanconi anemia complementation group P. Also called: SLX4-Related Fanconi Anemia. Identifiers: Orphanet 84, MedGen C3469542, MONDO:0013499, OMIM 613951.
Fanconi anemia (FA). Also called: Fanconi's anemia. Identifiers: Orphanet 84, MedGen C0015625, MeSH D005199, MONDO:0019391.

Allele frequency attached by ClinVar (database versions not stated): gnomAD 0.00003; gnomAD exomes 0.00003; ExAC 0.00004; TOPMed 0.00006.

Submissions (3):

Labcorp Genetics (formerly Invitae), Labcorp
Classification: Uncertain significance for Fanconi anemia. Last evaluated: 2024-01-09. Review status: criteria provided, single submitter. Criteria: Invitae Variant Classification Sherloc (09022015). Collection method: clinical testing. Allele origin: germline.
Comment: This sequence change replaces arginine, which is basic and polar, with histidine, which is basic and polar, at codon 1456 of the SLX4 protein (p.Arg1456His). This variant is present in population databases (rs774858804, gnomAD 0.02%). This variant has not been reported in the literature in individuals affected with SLX4-related conditions. ClinVar contains an entry for this variant (Variation ID: 1319486). Algorithms developed to predict the effect of missense changes on protein structure and function output the following: SIFT: "Not Available"; PolyPhen-2: "Benign"; Align-GVGD: "Not Available". The histidine amino acid residue is found in multiple mammalian species, which suggests that this missense change does not adversely affect protein function. In summary, the available evidence is currently insufficient to determine the role of this variant in disease. Therefore, it has been classified as a Variant of Uncertain Significance.

Fulgent Genetics
Classification: Uncertain significance for Fanconi anemia complementation group P. Last evaluated: 2022-01-07. Review status: criteria provided, single submitter. Criteria: ACMG Guidelines, 2015. Collection method: clinical testing. Allele origin: unknown.

Institute for Clinical Genetics, University Hospital TU Dresden, University Hospital TU Dresden
Classification: Uncertain significance. Last evaluated: 2021-11-03. Review status: criteria provided, single submitter. Criteria: ACMG Guidelines, 2015. Collection method: clinical testing. Allele origin: germline.

NM_032444.4(SLX4):c.4367G>A (p.Arg1456His)

Gene: SLX4 (SLX4 structure-specific endonuclease subunit; minus strand). Cytogenetic location: 16p13.3.
Variant type: single nucleotide variant.
Coding change: c.4367G>A on transcript NM_032444.4 (MANE Select); coding-DNA position 4367, G replaced by A.
Protein change: p.Arg1456His; replaces arginine 1456 with histidine.
Molecular consequence: missense variant.
Genome position (GRCh38, 1-based): chr16:3,589,271, C>T on the plus strand (G>A on the coding strand, the complement: SLX4 is on the minus strand). VCF-style: chr16-3589271-C-T. GRCh37 (hg19) VCF-style: chr16-3639272-C-T.
Other names: short protein forms R1456H.
Identifiers: ClinVar variation 1319486 (VCV001319486.6), dbSNP rs774858804, ClinGen allele CA7865671.